The following is an entry in ClinVar:

NM_004655.4(AXIN2):c.295C>A (p.Leu99Met)

Gene: AXIN2 (axin 2; minus strand). Cytogenetic location: 17q24.1.
Variant type: single nucleotide variant.
Coding change: c.295C>A on transcript NM_004655.4 (MANE Select); coding-DNA position 295, C replaced by A.
Protein change: p.Leu99Met; replaces leucine 99 with methionine.
Molecular consequence: missense variant.
Genome position (GRCh38, 1-based): chr17:65,558,326, G>T on the plus strand (C>A on the coding strand, the complement: AXIN2 is on the minus strand). VCF-style: chr17-65558326-G-T. GRCh37 (hg19) VCF-style: chr17-63554444-G-T.
Other names: c.295C>A, p.Leu99Met (NM_001363813.1); short protein forms L99M.
Identifiers: ClinVar variation 2586376 (VCV002586376.2), dbSNP rs761972319, ClinGen allele CA400681717.

ClinVar aggregate classification (germline): Uncertain significance (1 of 4 stars; one submission).

Conditions:
Hereditary cancer-predisposing syndrome. Also called: Hereditary neoplastic syndrome; Tumor predisposition; Hereditary Cancer Syndrome; Neoplastic Syndromes, Hereditary. Identifiers: Orphanet 140162, MedGen C0027672, MeSH D009386, MONDO:0015356.

Submission:

Ambry Genetics
Classification: Uncertain significance for Hereditary cancer-predisposing syndrome. Last evaluated: 2023-09-06. Review status: criteria provided, single submitter. Criteria: Ambry Variant Classification Scheme 2023. Collection method: clinical testing. Allele origin: germline.
Comment: The p.L99M variant (also known as c.295C>A), located in coding exon 1 of the AXIN2 gene, results from a C to A substitution at nucleotide position 295. The leucine at codon 99 is replaced by methionine, an amino acid with highly similar properties. This amino acid position is conserved. In addition, this alteration is predicted to be tolerated by in silico analysis. Since supporting evidence is limited at this time, the clinical significance of this alteration remains unclear.